The following is an entry in ClinVar:

NM_001351132.2(PEX5):c.517C>A (p.Leu173Met)

Gene: PEX5 (peroxisomal biogenesis factor 5; plus strand). Cytogenetic location: 12p13.31.
Variant type: single nucleotide variant.
Coding change: c.517C>A on transcript NM_001351132.2 (MANE Select); coding-DNA position 517, C replaced by A.
Protein change: p.Leu173Met; replaces leucine 173 with methionine.
Molecular consequence: missense variant.
Genome position (GRCh38, 1-based): chr12:7,199,079, C>A. VCF-style: chr12-7199079-C-A. GRCh37 (hg19) VCF-style: chr12-7351675-C-A.
Other names: c.517C>A, p.Leu173Met (NM_000319.5, NM_001131024.2, NM_001131025.2 and 19 more transcripts); c.562C>A, p.Leu188Met (NM_001131023.2, NM_001351135.3, NM_001351138.2); short protein forms L188M, L173M.
Identifiers: ClinVar variation 854625 (VCV000854625.9), dbSNP rs1943245558, ClinGen allele CA383717916.

ClinVar aggregate classification (germline): Uncertain significance (1 of 4 stars; one submission).

Conditions:
Peroxisome biogenesis disorder 2B (PBD2B). Identifiers: Orphanet 44, MedGen C3550234, MONDO:0008736, OMIM 202370.

Submission:

Labcorp Genetics (formerly Invitae), Labcorp
Classification: Uncertain significance for Peroxisome biogenesis disorder 2B. Last evaluated: 2022-11-01. Review status: criteria provided, single submitter. Criteria: Invitae Variant Classification Sherloc (09022015). Collection method: clinical testing. Allele origin: germline.
Comment: Advanced modeling of protein sequence and biophysical properties (such as structural, functional, and spatial information, amino acid conservation, physicochemical variation, residue mobility, and thermodynamic stability) performed at Invitae indicates that this missense variant is not expected to disrupt PEX5 protein function. In summary, the available evidence is currently insufficient to determine the role of this variant in disease. Therefore, it has been classified as a Variant of Uncertain Significance. ClinVar contains an entry for this variant (Variation ID: 854625). This variant has not been reported in the literature in individuals affected with PEX5-related conditions. This variant is not present in population databases (gnomAD no frequency). This sequence change replaces leucine, which is neutral and non-polar, with methionine, which is neutral and non-polar, at codon 173 of the PEX5 protein (p.Leu173Met).